The following is an entry in ClinVar:

ClinVar aggregate classification (germline): Uncertain significance (1 of 4 stars; one submission).

gnomAD v4.1: 1 of 1,614,080 alleles (0.000062%); highest among the groups gnomAD compares: Non-Finnish European, 0.000085%; no homozygotes.

Submission:

Ambry Genetics
Classification: Uncertain significance. Last evaluated: 2024-09-18. Review status: criteria provided, single submitter. Criteria: Ambry Variant Classification Scheme 2023. Collection method: clinical testing. Allele origin: germline.
Comment: The p.A1097S variant (also known as c.3289G>T), located in coding exon 18 of the PALLD gene, results from a G to T substitution at nucleotide position 3289. The alanine at codon 1097 is replaced by serine, an amino acid with similar properties. This amino acid position is conserved. In addition, the in silico prediction for this alteration is inconclusive. Based on the available evidence, the clinical significance of this variant remains unclear.

NM_001166108.2(PALLD):c.3340G>T (p.Ala1114Ser)

Genes: CBR4 (carbonyl reductase 4; minus strand), PALLD (palladin, cytoskeletal associated protein; plus strand). Cytogenetic location: 4q32.3.
Variant type: single nucleotide variant.
Coding change: c.3340G>T on transcript NM_001166108.2 (MANE Select); coding-DNA position 3340, G replaced by T.
Protein change: p.Ala1114Ser; replaces alanine 1114 with serine.
Molecular consequence: missense variant.
Genome position (GRCh38, 1-based): chr4:168,925,060, G>T. VCF-style: chr4-168925060-G-T. GRCh37 (hg19) VCF-style: chr4-169846211-G-T.
Other names: c.2143G>T, p.Ala715Ser (NM_001166109.2); c.1828G>T, p.Ala610Ser (NM_001166110.2); c.1168G>T, p.Ala390Ser (NM_001367567.1, NM_001367569.1); c.1219G>T, p.Ala407Ser (NM_001367568.1, NM_001367570.1); c.3289G>T, p.Ala1097Ser (NM_016081.4); short protein forms A407S, A715S, A1097S, A1114S, A390S, A610S.
Identifiers: ClinVar variation 3413538 (VCV003413538.1).